The following is an entry in ClinVar:

ClinVar aggregate classification (germline): Uncertain significance. Review status: criteria provided, multiple submitters, no conflicts (2 of 4 stars). 2 submissions from 2 submitters: Uncertain significance (2). Last evaluated 2024-11-28.

Conditions:
Inborn genetic diseases. Identifiers: MedGen C0950123, MeSH D030342.
Pyogenic arthritis-pyoderma gangrenosum-acne syndrome (PAPA). Also called: FAMILIAL RECURRENT ARTHRITIS; PAPA SYNDROME. Identifiers: Orphanet 69126, MedGen C1858361, MONDO:0011462, OMIM 604416.

Allele frequency attached by ClinVar (database versions not stated): ExAC 0.00002; gnomAD exomes 0.00004; gnomAD 0.00005 and 0.00006; TOPMed 0.00007.

Submissions (2):

Labcorp Genetics (formerly Invitae), Labcorp
Classification: Uncertain significance for Pyogenic arthritis-pyoderma gangrenosum-acne syndrome. Last evaluated: 2024-11-28. Review status: criteria provided, single submitter. Criteria: Invitae Variant Classification Sherloc (09022015). Collection method: clinical testing. Allele origin: germline.
Comment: This sequence change replaces arginine, which is basic and polar, with histidine, which is basic and polar, at codon 405 of the PSTPIP1 protein (p.Arg405His). This variant is present in population databases (rs754321842, gnomAD 0.02%). This variant has not been reported in the literature in individuals affected with PSTPIP1-related conditions. ClinVar contains an entry for this variant (Variation ID: 863782). Invitae Evidence Modeling of protein sequence and biophysical properties (such as structural, functional, and spatial information, amino acid conservation, physicochemical variation, residue mobility, and thermodynamic stability) indicates that this missense variant is not expected to disrupt PSTPIP1 protein function with a negative predictive value of 80%. In summary, the available evidence is currently insufficient to determine the role of this variant in disease. Therefore, it has been classified as a Variant of Uncertain Significance.

Ambry Genetics
Classification: Uncertain significance for Inborn genetic diseases. Last evaluated: 2023-03-06. Review status: criteria provided, single submitter. Criteria: Ambry Variant Classification Scheme 2023. Collection method: clinical testing. Allele origin: germline.

NM_003978.5(PSTPIP1):c.1214G>A (p.Arg405His)

Gene: PSTPIP1 (proline-serine-threonine phosphatase interacting protein 1; plus strand). Cytogenetic location: 15q24.3.
Variant type: single nucleotide variant.
Coding change: c.1214G>A on transcript NM_003978.5 (MANE Select); coding-DNA position 1214, G replaced by A.
Protein change: p.Arg405His; replaces arginine 405 with histidine.
Molecular consequence: missense variant. On other transcripts: non-coding transcript variant (1).
Genome position (GRCh38, 1-based): chr15:77,037,139, G>A. VCF-style: chr15-77037139-G-A. GRCh37 (hg19) VCF-style: chr15-77329480-G-A.
Other names: c.1157G>A, p.Arg386His (NM_001321135.2); c.1187G>A, p.Arg396His (NM_001321136.2); c.1409G>A, p.Arg470His (NM_001321137.1); short protein forms R396H, R386H, R405H, R470H.
Identifiers: ClinVar variation 863782 (VCV000863782.11), dbSNP rs754321842, ClinGen allele CA7676230.